The following is an entry in ClinVar:

NM_012179.4(FBXO7):c.1441C>T (p.Arg481Cys)

Gene: FBXO7 (F-box protein 7; plus strand). Cytogenetic location: 22q12.3.
Variant type: single nucleotide variant.
Coding change: c.1441C>T on transcript NM_012179.4 (MANE Select); coding-DNA position 1441, C replaced by T.
Protein change: p.Arg481Cys; replaces arginine 481 with cysteine.
Molecular consequence: missense variant.
Genome position (GRCh38, 1-based): chr22:32,498,402, C>T. VCF-style: chr22-32498402-C-T. GRCh37 (hg19) VCF-style: chr22-32894389-C-T.
Other names: c.1204C>T, p.Arg402Cys (NM_001033024.2); c.1099C>T, p.Arg367Cys (NM_001257990.2); short protein forms R367C, R402C, R481C.
Identifiers: ClinVar variation 767123 (VCV000767123.13), dbSNP rs148272407, ClinGen allele CA10201742.

ClinVar aggregate classification (germline): Conflicting classifications of pathogenicity. Review status: criteria provided, conflicting classifications (1 of 4 stars). 2 submissions from 2 submitters: Uncertain significance (1); Likely benign (1). Last evaluated 2026-01-26.

Conditions:
Parkinsonian-pyramidal syndrome. Also called: PARKINSON DISEASE 15, AUTOSOMAL RECESSIVE; PARKINSON DISEASE 15, AUTOSOMAL RECESSIVE EARLY-ONSET; PALLIDOPYRAMIDAL SYNDROME. Identifiers: Orphanet 171695, MedGen C1850100, MONDO:0009830, OMIM 260300.

Allele frequency attached by ClinVar (database versions not stated): gnomAD 0.00008 and 0.00017; ExAC 0.00053; gnomAD exomes 0.00025 and 0.00039; 1000 Genomes Project 0.00100; ESP Exome Variant Server 0.00008; TOPMed 0.00008; 1000 Genomes Project 30x 0.00109.
gnomAD v4.1: 404 of 1,614,174 alleles (0.025%); highest among the groups gnomAD compares: Middle Eastern, 0.35%; 6 homozygotes.

Submissions (2):

Labcorp Genetics (formerly Invitae), Labcorp
Classification: Likely benign for Parkinsonian-pyramidal syndrome. Last evaluated: 2026-01-26. Review status: criteria provided, single submitter. Criteria: Invitae Variant Classification Sherloc (09022015). Collection method: clinical testing. Allele origin: germline.

GeneDx
Classification: Uncertain significance. Last evaluated: 2025-08-07. Review status: criteria provided, single submitter. Criteria: GeneDx Variant Classification Process June 2021. Collection method: clinical testing. Allele origin: germline.
Comment: Reported as a heterozygous variant in two siblings with Parkinson disease who inherited the variant from an unaffected mother in published literature; the siblings were homozygous for a variant in another gene that may have been responsible for the phenotype (PMID: 20853184); In silico analysis supports that this missense variant has a deleterious effect on protein structure/function; This variant is associated with the following publications: (PMID: 30454685, 24112787, 27090516, 24107298, 26965690, 20853184, 22117566)